The following is an entry in ClinVar:

NM_000138.5(FBN1):c.3523A>G (p.Ile1175Val)

Gene: FBN1 (fibrillin 1; minus strand). Cytogenetic location: 15q21.1.
Variant type: single nucleotide variant.
Coding change: c.3523A>G on transcript NM_000138.5 (MANE Select); coding-DNA position 3523, A replaced by G.
Protein change: p.Ile1175Val; replaces isoleucine 1175 with valine.
Molecular consequence: missense variant.
Genome position (GRCh38, 1-based): chr15:48,487,141, T>C on the plus strand (A>G on the coding strand, the complement: FBN1 is on the minus strand). VCF-style: chr15-48487141-T-C. GRCh37 (hg19) VCF-style: chr15-48779338-T-C.
Other names: short protein forms I1175V.
Identifiers: ClinVar variation 1004707 (VCV001004707.13), dbSNP rs756754760, ClinGen allele CA051035.
Genomic context (GRCh38, chr15:48,487,141, plus strand): 5'-AAAATAGCCTATCGGGAGTTGAATGGTAGCCAGGGTTGCAGGCACACTGATACTTCCCTA[T>C]GAGGTTCACGCAACGGCCATTGGGGCACAGGTGTGCACTCAGCTCACATTCATTGATGTC-3'
Protein context (NP_000129.3, residues 1165-1185): LCPNGRCVNL[Ile1175Val]GKYQCACNPG

ClinVar aggregate classification (germline): Conflicting classifications of pathogenicity. Review status: criteria provided, conflicting classifications (1 of 4 stars). 4 submissions from 4 submitters: Uncertain significance (2); Benign (1); Likely benign (1). Last evaluated 2025-10-15.

Conditions:
Stiff skin syndrome (SSKS). Identifiers: Orphanet 2833, MedGen C1861456, MONDO:0008492, OMIM 184900.
Progeroid and marfanoid aspect-lipodystrophy syndrome. Also called: MARFANOID-PROGEROID SYNDROME; MARFAN-PROGEROID-LIPODYSTROPHY SYNDROME; Marfan lipodystrophy syndrome; MARFANOID-PROGEROID-LIPODYSTROPHY SYNDROME. Identifiers: Orphanet 300382, MedGen C4310796, MONDO:0014831, OMIM 616914.
Ectopia lentis 1, isolated, autosomal dominant (ECTOL1). Identifiers: Orphanet 1885, MedGen C3541518, MONDO:0007514, OMIM 129600.
MASS syndrome (OCTD). Also called: MASS PHENOTYPE; OVERLAP CONNECTIVE TISSUE DISEASE. Identifiers: MedGen C1858556, MONDO:0011431, OMIM 604308.
Marfan syndrome (MFS). Also called: FBN1-Related Marfan Syndrome; MARFAN SYNDROME, TYPE I; Marfan syndrome type 1; Marfan's syndrome; Marfan syndrome, classic. Identifiers: Orphanet 284963, Orphanet 558, MedGen C0024796, MONDO:0007947, OMIM 154700.
Weill-Marchesani syndrome 2, dominant. Also called: FBN1-Related Weill-Marchesani Syndrome; Weill-Marchesani Syndrome, Autosomal Dominant. Identifiers: Orphanet 2084, MedGen C1869115, MONDO:0012013, OMIM 608328.
Acromicric dysplasia (ACMICD). Also called: Acromicric skeletal dysplasia. Identifiers: Orphanet 969, MedGen C0265287, MONDO:0007055, OMIM 102370.
Geleophysic dysplasia 2 (GPHYSD2). Identifiers: Orphanet 2623, MedGen C3280054, MONDO:0013612, OMIM 614185.
Familial thoracic aortic aneurysm and aortic dissection (TAAD). Also called: Thoracic aortic aneurysms and dissections. Identifiers: Orphanet 91387, MedGen C4707243, MONDO:0019625.

Allele frequency attached by ClinVar (database versions not stated): TOPMed 0.00002; ExAC 0.00002; gnomAD exomes 0.00003.
gnomAD v4.1: 10 of 1,613,754 alleles (0.00062%); highest among the groups gnomAD compares: Admixed American, 0.013%; no homozygotes.

Submissions (4):

Labcorp Genetics (formerly Invitae), Labcorp
Classification: Likely benign for Marfan syndrome; Familial thoracic aortic aneurysm and aortic dissection. Last evaluated: 2025-10-15. Review status: criteria provided, single submitter. Criteria: Invitae Variant Classification Sherloc (09022015). Collection method: clinical testing. Allele origin: germline.

Ambry Genetics
Classification: Benign for Familial thoracic aortic aneurysm and aortic dissection. Last evaluated: 2025-10-08. Review status: criteria provided, single submitter. Criteria: Ambry Variant Classification Scheme 2023. Collection method: clinical testing. Allele origin: germline.

GeneDx
Classification: Uncertain significance. Last evaluated: 2025-07-17. Review status: criteria provided, single submitter. Criteria: GeneDx Variant Classification Process June 2021. Collection method: clinical testing. Allele origin: germline. Affected: yes.
Comment: Has not been previously published as pathogenic or benign to our knowledge; In silico analysis suggests that this missense variant does not alter protein structure/function; Although located in a calcium-binding EGF-like domain of the FBN1 gene, it does not affect a cysteine residue within this domain; cysteine substitutions in the calcium-binding EGF-like domains represent the majority of pathogenic missense changes associated with FBN1-related disorders (PMID: 12938084); This variant is associated with the following publications: (PMID: 25652356, 12938084)

Fulgent Genetics
Classification: Uncertain significance for Acromicric dysplasia; Ectopia lentis 1, isolated, autosomal dominant; Marfan syndrome; Stiff skin syndrome; MASS syndrome; Weill-Marchesani syndrome 2, dominant; Geleophysic dysplasia 2; Progeroid and marfanoid aspect-lipodystrophy syndrome. Last evaluated: 2021-10-18. Review status: criteria provided, single submitter. Criteria: ACMG Guidelines, 2015. Collection method: clinical testing. Allele origin: unknown.

Literature cited by the submitters: PubMed 25652356 (cited by Ambry Genetics).